The following is an entry in ClinVar:

ClinVar aggregate classification (germline): Uncertain significance (1 of 4 stars; one submission).

Submission:

GeneDx
Classification: Uncertain significance. Last evaluated: 2025-07-08. Review status: criteria provided, single submitter. Criteria: GeneDx Variant Classification Process June 2021. Collection method: clinical testing. Allele origin: germline. Affected: yes.
Comment: Not observed at significant frequency in large population cohorts (gnomAD); In silico analysis supports that this missense variant has a deleterious effect on protein structure/function; Has not been previously published as pathogenic or benign to our knowledge

NM_001378974.1(FBXW11):c.1398G>T (p.Leu466Phe)

Gene: FBXW11 (F-box and WD repeat domain containing 11; minus strand). Cytogenetic location: 5q35.1.
Variant type: single nucleotide variant.
Coding change: c.1398G>T on transcript NM_001378974.1 (MANE Select); coding-DNA position 1398, G replaced by T.
Protein change: p.Leu466Phe; replaces leucine 466 with phenylalanine.
Molecular consequence: missense variant.
Genome position (GRCh38, 1-based): chr5:171,870,801, C>A on the plus strand (G>T on the coding strand, the complement: FBXW11 is on the minus strand). VCF-style: chr5-171870801-C-A. GRCh37 (hg19) VCF-style: chr5-171297805-C-A.
Other names: c.1329G>T, p.Leu443Phe (NM_001378975.1); c.1302G>T, p.Leu434Phe (NM_001378976.1); c.1239G>T, p.Leu413Phe (NM_001378977.1, NM_001378978.1, NM_001378979.1); c.1233G>T, p.Leu411Phe (NM_001378980.1, NM_033645.3); c.1335G>T, p.Leu445Phe (NM_012300.3); c.1296G>T, p.Leu432Phe (NM_033644.3); short protein forms L411F, L413F, L432F, L434F, L443F, L445F, L466F.
Identifiers: ClinVar variation 4685445 (VCV004685445.1).
Genomic context (GRCh38, chr5:171,870,801, plus strand): 5'-GACATACCCATCATAGGCCCCACTGACAATCCTCTTGTTATCAAACCGGATGCATCGGAC[C>A]AATTCTTCATGTCCCTCTAGGACTCTTAAACAGGCACCACATTCAATATCCCAGAGCCTT-3'
Protein context (NP_001365903.1, residues 456-476): CLRVLEGHEE[Leu466Phe]VRCIRFDNKR